The following is an entry in ClinVar:

ClinVar aggregate classification (germline): Likely pathogenic (0 of 4 stars; one submission).

Conditions:
Marfan syndrome (MFS). Also called: MARFAN SYNDROME, TYPE I; Marfan syndrome type 1; Marfan's syndrome; FBN1-Related Marfan Syndrome; Marfan syndrome, classic. Identifiers: Orphanet 284963, Orphanet 558, MedGen C0024796, MONDO:0007947, OMIM 154700.

Submission:

Department of Laboratory Medicine and Genetics, Samsung Medical Center
Classification: Likely pathogenic for Marfan syndrome. Last evaluated: 2025-01-02. Review status: no assertion criteria provided. Collection method: clinical testing. Allele origin: germline.
Comment: The NM_000138.5:c.2627G>C is considered to be rare in the general population database (gnomAD v2.1.1). This variant is predicted to be deleterious by in-silico analysis (REVEL). This variant is located in functional domains and a different missense variant at the same residue is determined to be pathogenic (c.2626T>C, p.Cys876Arg; c.2627G>T, p.Cys876Phe; c.2627G>A, p.Cys876Tyr). In summary, this variant was classified as a likely pathogenic variant for Marfan syndrome (PM1, PM5, PP2, PP3, PM2_P).

Literature cited by the submitters: PubMed 37558401.

NM_000138.5(FBN1):c.2627G>C (p.Cys876Ser)

Gene: FBN1 (fibrillin 1; minus strand). Cytogenetic location: 15q21.1.
Variant type: single nucleotide variant.
Coding change: c.2627G>C on transcript NM_000138.5 (MANE Select); coding-DNA position 2627, G replaced by C.
Protein change: p.Cys876Ser; replaces cysteine 876 with serine.
Molecular consequence: missense variant.
Genome position (GRCh38, 1-based): chr15:48,495,173, C>G on the plus strand (G>C on the coding strand, the complement: FBN1 is on the minus strand). VCF-style: chr15-48495173-C-G. GRCh37 (hg19) VCF-style: chr15-48787370-C-G.
Other names: c.2627G>C, p.Cys876Ser (NM_001406716.1); short protein forms C876S.
Identifiers: ClinVar variation 3600234 (VCV003600234.1).